The following is an entry in ClinVar:

NM_002303.6(LEPR):c.1659A>G (p.Leu553=)

Gene: LEPR (leptin receptor; plus strand). Cytogenetic location: 1p31.3.
Variant type: single nucleotide variant.
Coding change: c.1659A>G on transcript NM_002303.6 (MANE Select); coding-DNA position 1659, A replaced by G.
Protein change: p.Leu553=; no amino-acid change (leucine 553 retained).
Molecular consequence: synonymous variant.
Genome position (GRCh38, 1-based): chr1:65,608,808, A>G. VCF-style: chr1-65608808-A-G. GRCh37 (hg19) VCF-style: chr1-66074491-A-G.
Other names: c.1659A>G, p.Leu553= (NM_001003679.3, NM_001003680.3, NM_001198687.2 and 2 more transcripts).
Identifiers: ClinVar variation 4977350 (VCV004977350.1).

ClinVar aggregate classification (germline): Likely benign (1 of 4 stars; one submission).

Conditions:
LEPR-related disorder. Also called: LEPR-related condition; LEPR-related disorders.

gnomAD v4.1: 3 of 1,613,686 alleles (0.00019%); highest among the groups gnomAD compares: Non-Finnish European, 0.00025%; no homozygotes.

Submission:

PreventionGenetics, part of Exact Sciences
Classification: Likely benign for LEPR-related condition. Last evaluated: 2025-08-14. Review status: criteria provided, single submitter. Criteria: ACMG Guidelines, 2015. Collection method: clinical testing. Allele origin: germline.
Comment: This variant is classified as likely benign based on ACMG/AMP sequence variant interpretation guidelines (Richards et al. 2015 PMID: 25741868, with internal and published modifications).